The following is an entry in ClinVar:

NM_001003800.2(BICD2):c.2100C>G (p.Asn700Lys)

Gene: BICD2 (BICD cargo adaptor 2; minus strand). Cytogenetic location: 9q22.31.
Variant type: single nucleotide variant.
Coding change: c.2100C>G on transcript NM_001003800.2 (MANE Select); coding-DNA position 2100, C replaced by G.
Protein change: p.Asn700Lys; replaces asparagine 700 with lysine.
Molecular consequence: missense variant.
Genome position (GRCh38, 1-based): chr9:92,718,545, G>C on the plus strand (C>G on the coding strand, the complement: BICD2 is on the minus strand). VCF-style: chr9-92718545-G-C. GRCh37 (hg19) VCF-style: chr9-95480827-G-C.
Other names: c.2100C>G, p.Asn700Lys (NM_015250.4); short protein forms N700K.
Identifiers: ClinVar variation 1707086 (VCV001707086.2), dbSNP rs2490442124, ClinGen allele CA374033582.

ClinVar aggregate classification (germline): Pathogenic (1 of 4 stars; one submission).

Submission:

GeneDx
Classification: Pathogenic. Last evaluated: 2022-03-23. Review status: criteria provided, single submitter. Criteria: GeneDx Variant Classification Process June 2021. Collection method: clinical testing. Allele origin: germline. Affected: yes.
Comment: Not observed at significant frequency in large population cohorts (gnomAD); In silico analysis supports that this missense variant has a deleterious effect on protein structure/function; This variant is associated with the following publications: (PMID: 29274205, 30008475)